The following is an entry in ClinVar:

NM_005609.4(PYGM):c.898G>C (p.Val300Leu)

Gene: PYGM (glycogen phosphorylase, muscle associated; minus strand). Cytogenetic location: 11q13.1.
Variant type: single nucleotide variant.
Coding change: c.898G>C on transcript NM_005609.4 (MANE Select); coding-DNA position 898, G replaced by C.
Protein change: p.Val300Leu; replaces valine 300 with leucine.
Molecular consequence: missense variant.
Genome position (GRCh38, 1-based): chr11:64,754,794, C>G on the plus strand (G>C on the coding strand, the complement: PYGM is on the minus strand). VCF-style: chr11-64754794-C-G. GRCh37 (hg19) VCF-style: chr11-64522266-C-G.
Other names: c.634G>C, p.Val212Leu (NM_001164716.1); short protein forms V212L, V300L.
Identifiers: ClinVar variation 1373181 (VCV001373181.3), dbSNP rs757387408, ClinGen allele CA381179010.

ClinVar aggregate classification (germline): Uncertain significance (1 of 4 stars; one submission).

Conditions:
Glycogen storage disease, type V (GSD5). Also called: McArdle type glycogen storage disease; MCARDLE DISEASE; MUSCLE GLYCOGEN PHOSPHORYLASE DEFICIENCY; MYOPHOSPHORYLASE DEFICIENCY; PYGM DEFICIENCY. Identifiers: Orphanet 368, MedGen C0017924, MONDO:0009293, OMIM 232600.

Submission:

Labcorp Genetics (formerly Invitae), Labcorp
Classification: Uncertain significance for Glycogen storage disease, type V. Last evaluated: 2021-12-09. Review status: criteria provided, single submitter. Criteria: Invitae Variant Classification Sherloc (09022015). Collection method: clinical testing. Allele origin: germline.
Comment: This sequence change replaces valine, which is neutral and non-polar, with leucine, which is neutral and non-polar, at codon 300 of the PYGM protein (p.Val300Leu). This variant is not present in population databases (gnomAD no frequency). This variant has not been reported in the literature in individuals affected with PYGM-related conditions. Algorithms developed to predict the effect of missense changes on protein structure and function are either unavailable or do not agree on the potential impact of this missense change (SIFT: "Not Available"; PolyPhen-2: "Benign"; Align-GVGD: "Not Available"). In summary, the available evidence is currently insufficient to determine the role of this variant in disease. Therefore, it has been classified as a Variant of Uncertain Significance.